The following is an entry in ClinVar:

NM_001042492.3(NF1):c.202A>G (p.Met68Val)

Gene: NF1 (neurofibromin 1; plus strand). Cytogenetic location: 17q11.2.
Variant type: single nucleotide variant.
Coding change: c.202A>G on transcript NM_001042492.3 (MANE Select); coding-DNA position 202, A replaced by G.
Protein change: p.Met68Val; replaces methionine 68 with valine.
Molecular consequence: missense variant.
Genome position (GRCh38, 1-based): chr17:31,156,124, A>G. VCF-style: chr17-31156124-A-G. GRCh37 (hg19) VCF-style: chr17-29483142-A-G.
Other names: c.202A>G, p.Met68Val (NM_000267.4, NM_001128147.3); short protein forms M68V.
Identifiers: ClinVar variation 3017010 (VCV003017010.3), dbSNP rs2544681899, ClinGen allele CA398988773.

ClinVar aggregate classification (germline): Uncertain significance (1 of 4 stars; one submission).

Conditions:
Neurofibromatosis, type 1 (NF1). Also called: Neurofibromatosis, type I; NEUROFIBROMATOSIS, TYPE I, SOMATIC; VON RECKLINGHAUSEN DISEASE; Peripheral type neurofibromatosis. Identifiers: Orphanet 636, MedGen C0027831, MONDO:0018975, OMIM 162200. Disease mechanism: loss of function.

Submission:

Labcorp Genetics (formerly Invitae), Labcorp
Classification: Uncertain significance for Neurofibromatosis, type 1. Last evaluated: 2024-03-05. Review status: criteria provided, single submitter. Criteria: Invitae Variant Classification Sherloc (09022015). Collection method: clinical testing. Allele origin: germline.
Comment: This sequence change replaces methionine, which is neutral and non-polar, with valine, which is neutral and non-polar, at codon 68 of the NF1 protein (p.Met68Val). This variant is not present in population databases (gnomAD no frequency). This variant has not been reported in the literature in individuals affected with NF1-related conditions. An algorithm developed to predict the effect of missense changes on protein structure and function (PolyPhen-2) suggests that this variant is likely to be disruptive. In summary, the available evidence is currently insufficient to determine the role of this variant in disease. Therefore, it has been classified as a Variant of Uncertain Significance.